The following is an entry in ClinVar:

ClinVar aggregate classification (germline): Uncertain significance (1 of 4 stars; one submission).

Conditions:
Bardet-Biedl syndrome (BBS). Identifiers: Orphanet 110, MedGen C0752166, MONDO:0015229.

Submission:

Labcorp Genetics (formerly Invitae), Labcorp
Classification: Uncertain significance for Bardet-Biedl syndrome. Last evaluated: 2023-06-29. Review status: criteria provided, single submitter. Criteria: Invitae Variant Classification Sherloc (09022015). Collection method: clinical testing. Allele origin: germline.
Comment: ClinVar contains an entry for this variant (Variation ID: 2179746). This sequence change replaces glutamic acid, which is acidic and polar, with valine, which is neutral and non-polar, at codon 279 of the TRIM32 protein (p.Glu279Val). This variant is not present in population databases (gnomAD no frequency). This variant has not been reported in the literature in individuals affected with TRIM32-related conditions. An algorithm developed to predict the effect of missense changes on protein structure and function (PolyPhen-2) suggests that this variant is likely to be disruptive. In summary, the available evidence is currently insufficient to determine the role of this variant in disease. Therefore, it has been classified as a Variant of Uncertain Significance.

NM_012210.4(TRIM32):c.836A>T (p.Glu279Val)

Genes: ASTN2 (astrotactin 2; minus strand), TRIM32 (tripartite motif containing 32; plus strand). Cytogenetic location: 9q33.1.
Variant type: single nucleotide variant.
Coding change: c.836A>T on transcript NM_012210.4 (MANE Select); coding-DNA position 836, A replaced by T.
Protein change: p.Glu279Val; replaces glutamic acid 279 with valine.
Molecular consequence: missense variant. On other transcripts: intron variant (3).
Genome position (GRCh38, 1-based): chr9:116,698,578, A>T. VCF-style: chr9-116698578-A-T. GRCh37 (hg19) VCF-style: chr9-119460857-A-T.
Other names: c.836A>T, p.Glu279Val (NM_001099679.2, NM_001379048.1, NM_001379049.1 and 1 more transcripts); c.2653+27193T>A (NM_014010.5); c.2794+27193T>A (NM_001365069.1); c.2806+27193T>A (NM_001365068.1); short protein forms E279V.
Identifiers: ClinVar variation 2179746 (VCV002179746.4), dbSNP rs2491062839, ClinGen allele CA374649997.